The following is an entry in ClinVar:

ClinVar aggregate classification (germline): Uncertain significance (1 of 4 stars; one submission).

Conditions:
Borjeson-Forssman-Lehmann syndrome (BFLS). Also called: BORJESON SYNDROME; MENTAL RETARDATION, X-LINKED, SYNDROMIC, BORJESON-FORSSMAN-LEHMANN TYPE; MENTAL RETARDATION, EPILEPSY, AND ENDOCRINE DISORDERS. Identifiers: Orphanet 127, MedGen C0265339, MONDO:0010537, OMIM 301900.

Submission:

Labcorp Genetics (formerly Invitae), Labcorp
Classification: Uncertain significance for Borjeson-Forssman-Lehmann syndrome. Last evaluated: 2020-07-14. Review status: criteria provided, single submitter. Criteria: Invitae Variant Classification Sherloc (09022015). Collection method: clinical testing. Allele origin: germline.
Comment: In summary, the available evidence is currently insufficient to determine the role of this variant in disease. Therefore, it has been classified as a Variant of Uncertain Significance. Algorithms developed to predict the effect of missense changes on protein structure and function are either unavailable or do not agree on the potential impact of this missense change (SIFT: "Deleterious"; PolyPhen-2: "Benign"; Align-GVGD: "Class C15"). This variant has not been reported in the literature in individuals with PHF6-related conditions. This variant is not present in population databases (ExAC no frequency). This sequence change replaces asparagine with isoleucine at codon 147 of the PHF6 protein (p.Asn147Ile). The asparagine residue is highly conserved and there is a large physicochemical difference between asparagine and isoleucine.

NM_001015877.2(PHF6):c.440A>T (p.Asn147Ile)

Gene: PHF6 (PHD finger protein 6; plus strand). Cytogenetic location: Xq26.2.
Variant type: single nucleotide variant.
Coding change: c.440A>T on transcript NM_001015877.2 (MANE Select); coding-DNA position 440, A replaced by T.
Protein change: p.Asn147Ile; replaces asparagine 147 with isoleucine.
Molecular consequence: missense variant.
Genome position (GRCh38, 1-based): chrX:134,413,512, A>T. VCF-style: chrX-134413512-A-T. GRCh37 (hg19) VCF-style: chrX-133547542-A-T.
Other names: c.443A>T, p.Asn148Ile (NM_032335.3); c.440A>T, p.Asn147Ile (NM_032458.3); short protein forms N147I, N148I.
Identifiers: ClinVar variation 1015376 (VCV001015376.8), dbSNP rs2077459540, ClinGen allele CA414712413.